The following is an entry in ClinVar:

NM_001303256.3(MORC2):c.328C>T (p.Arg110Cys)

Gene: MORC2 (MORC family CW-type zinc finger 2; minus strand). Cytogenetic location: 22q12.2.
Variant type: single nucleotide variant.
Coding change: c.328C>T on transcript NM_001303256.3 (MANE Select); coding-DNA position 328, C replaced by T.
Protein change: p.Arg110Cys; replaces arginine 110 with cysteine.
Molecular consequence: missense variant.
Genome position (GRCh38, 1-based): chr22:30,946,439, G>A on the plus strand (C>T on the coding strand, the complement: MORC2 is on the minus strand). VCF-style: chr22-30946439-G-A. GRCh37 (hg19) VCF-style: chr22-31342426-G-A.
Other names: c.328C>T, p.Arg110Cys (NM_001303257.2); c.142C>T, p.Arg48Cys (NM_014941.3); short protein forms R110C, R48C.
Identifiers: ClinVar variation 992297 (VCV000992297.50), dbSNP rs2040817364, ClinGen allele CA411244914.

ClinVar aggregate classification (germline): Conflicting classifications of pathogenicity. Review status: criteria provided, conflicting classifications (1 of 4 stars). 9 submissions from 9 submitters: Pathogenic (1); Likely pathogenic (6); Uncertain significance (2). Last evaluated 2025-06-13.

Conditions:
Developmental delay, impaired growth, dysmorphic facies, and axonal neuropathy. Identifiers: MedGen C5436781, MONDO:0030835, OMIM 619090.
MORC2-related disorder. Also called: MORC2-related condition.
Inborn genetic diseases. Identifiers: MedGen C0950123, MeSH D030342.
Charcot-Marie-Tooth disease axonal type 2Z. Also called: CHARCOT-MARIE-TOOTH DISEASE, AXONAL, AUTOSOMAL DOMINANT, TYPE 2Z; CHARCOT-MARIE-TOOTH NEUROPATHY, TYPE 2Z. Identifiers: Orphanet 466768, MedGen C5569025, MONDO:0014736, OMIM 616688.

Submissions (9):

GeneDx
Classification: Uncertain significance. Last evaluated: 2025-06-13. Review status: criteria provided, single submitter. Criteria: GeneDx Variant Classification Process June 2021. Collection method: clinical testing. Allele origin: germline. Affected: yes.
Comment: Identified as a de novo variant in a patient from a cohort of individuals with developmental disorders; however, detailed clinical information was not provided and de novo variants in other genes were also reported in this individual (PMID: 33057194); Assumed de novo variant in a patient without neuropathy who presented with multiple congenital anomalies including microcephaly, facial dysmorphism, abnormal cranial sutures, and hypodontia; however, multiple other de novo variants were identified potentially explaining the phenotype (PMID: 37337996); Not observed at significant frequency in large population cohorts (gnomAD); In silico analysis supports that this missense variant has a deleterious effect on protein structure/function; This variant is associated with the following publications: (PMID: 33057194, 35982159, 37337996)

Ambry Genetics
Classification: Likely pathogenic for Inborn genetic diseases. Last evaluated: 2025-04-02. Review status: criteria provided, single submitter. Criteria: Ambry Variant Classification Scheme 2023. Collection method: clinical testing. Allele origin: germline.
Comment: The c.328C>T (p.R110C) alteration is located in exon 6 (coding exon 6) of the MORC2 gene. This alteration results from a C to T substitution at nucleotide position 328, causing the arginine (R) at amino acid position 110 to be replaced by a cysteine (C). This variant was not reported in population-based cohorts in the Genome Aggregation Database (gnomAD). This variant was reported in individuals with features consistent with MORC2-related neurological disorders; in at least one individual, it was determined to be de novo (Pande, 2023; Ambrose, 2024). This amino acid position is highly conserved in available vertebrate species. This alteration is predicted to be deleterious by in silico analysis. Based on the available evidence, this alteration is classified as likely pathogenic.

Victorian Clinical Genetics Services, Murdoch Childrens Research Institute
Classification: Pathogenic for Developmental delay, impaired growth, dysmorphic facies, and axonal neuropathy. Last evaluated: 2024-09-19. Review status: criteria provided, single submitter. Criteria: ACMG Guidelines, 2015. Collection method: clinical testing. Allele origin: germline. Inheritance: Autosomal dominant inheritance. Affected: yes.
Comment: Based on the classification scheme VCGS_Germline_v1.3.4, this variant is classified as Pathogenic. Following criteria are met: 0105 - The mechanism of disease for this gene is not clearly established, however multiple studies have reported variable dysregulation of ATPase activity, dimerisation, and/or regulatory functions. Variants displaying more significant biochemical changes tend to be associated with more severe clinical presentations (PMIDs: 28581500, 29440755, 30624633, 32693025, 34059105). (I) 0107 - This gene is associated with autosomal dominant disease. (I) 0115 - Variants in this gene are known to have variable expressivity. Considerable clinical heterogeneity has been observed in affected individuals, ranging from adult-onset neuropathies to congenital complex multisystem disorders (OMIM, PMID: 34059105). (I) 0200 - Variant is predicted to result in a missense amino acid change from arginine to cysteine. (I) 0251 - This variant is heterozygous. (I) 0301 - Variant is absent from gnomAD (both v2 and v3). (SP) 0501 - Missense variant consistently predicted to be damaging by multiple in silico tools or highly conserved with a major amino acid change. (SP) 0600 - Variant is located in the annotated GHKL-ATPase domain (DECIPHER, PMID: 34059105). (I) 0705 - No comparable missense variants have previous evidence for pathogenicity. (I) 0802 - This variant has moderate previous evidence of pathogenicity in unrelated individuals. This individual's phenotype included MORC2-related and BCL11B-related features, where both genes show partial clinical overlap for developmental delay and dysmorphic features; however, significant growth failure is likely attributed to the MORC2 variant (PMID: 37337996). Additionally, this variant has been reported as both VUS and likely pathogenic by clinical laboratories, and has also been reported as VUS in two de novo individuals with MORC2-related features (ClinVar, DECIPHER). (SP) 0905 - No published segregation evidence has been identified for this variant. (I) 1007 - No published functional evidence has been identified for this variant. (SP) Legend: (SP) - Supporting pathogenic, (I) - Information, (SB) - Supporting benign

CeGaT Center for Human Genetics Tuebingen
Classification: Likely pathogenic. Last evaluated: 2024-06-01. Review status: criteria provided, single submitter. Criteria: CeGaT Center For Human Genetics Tuebingen Variant Classification Criteria Version 2. Collection method: clinical testing. Allele origin: germline. Affected: yes. Observed: 3 variant alleles.
Comment: MORC2: PS2, PM2, PS4:Moderate, PP3

Blueprint Genetics
Classification: Likely pathogenic for MORC2-related disorders. Last evaluated: 2024-05-23. Review status: criteria provided, single submitter. Criteria: ACMG Guidelines, 2015. Collection method: clinical testing. Allele origin: germline. Affected: yes. Observed: 3 variant alleles.

Institute of Human Genetics Munich, TUM University Hospital
Classification: Likely pathogenic for Developmental delay, impaired growth, dysmorphic facies, and axonal neuropathy. Last evaluated: 2022-05-09. Review status: criteria provided, single submitter. Criteria: Classification criteria August 2017. Collection method: clinical testing. Allele origin: germline. Inheritance: Autosomal dominant inheritance. Affected: yes. Observed: 1 variant allele.

Greenwood Genetic Center Diagnostic Laboratories, Greenwood Genetic Center
Classification: Likely pathogenic. Last evaluated: 2020-08-13. Review status: criteria provided, single submitter. Criteria: ACMG Guidelines, 2015. Collection method: clinical testing. Allele origin: germline. Affected: yes.

Baylor Genetics
Classification: Uncertain significance for Charcot-Marie-Tooth disease axonal type 2Z. Last evaluated: 2018-05-07. Review status: criteria provided, single submitter. Criteria: ACMG Guidelines, 2015. Collection method: clinical testing. Allele origin: de novo. Affected: yes.
Comment: This variant was determined to be of uncertain significance according to ACMG Guidelines, 2015 [PMID:25741868].

Laboratory of Functional Genomics, Research Centre for Medical Genetics
Classification: Likely pathogenic for Developmental delay, impaired growth, dysmorphic facies, and axonal neuropathy. Review status: criteria provided, single submitter. Criteria: ACMG Guidelines, 2015. Collection method: clinical testing, in vitro. Allele origin: de novo, maternal, not applicable. Affected: yes. Observed: 3 heterozygotes.
Comment: Segregation analysis was not performed. This variant is absent in population databases. For functional characterization of the variant a vector, expressing MORC2 fused with Flag tag at C-terminal end, was created. Transfection of the plasmid into HEK293T cells followed by Western blotting revealed slight reduction of MORC2 protein quantity compared to wt vector. In summary, c.328C>T variant meets criteria to be classified as likely pathogenic.

Literature cited by the submitters: PubMed 37337996 (cited by Ambry Genetics and Victorian Clinical Genetics Services, Murdoch Childrens Research Institute); PubMed 39533303 (cited by Ambry Genetics); PubMed 28581500 (cited by Victorian Clinical Genetics Services, Murdoch Childrens Research Institute); PubMed 29440755 (cited by Victorian Clinical Genetics Services, Murdoch Childrens Research Institute); PubMed 30624633 (cited by Victorian Clinical Genetics Services, Murdoch Childrens Research Institute); PubMed 32693025 (cited by Victorian Clinical Genetics Services, Murdoch Childrens Research Institute); PubMed 34059105 (cited by Victorian Clinical Genetics Services, Murdoch Childrens Research Institute).